The following is an entry in ClinVar:

ClinVar aggregate classification (germline): Uncertain significance (1 of 4 stars; one submission).

Conditions:
Cardiovascular phenotype. Identifiers: MedGen CN230736.

gnomAD v4.1: 1 of 1,613,796 alleles (0.000062%); highest among the groups gnomAD compares: Non-Finnish European, 0.000085%; no homozygotes.

Submission:

Ambry Genetics
Classification: Uncertain significance for Cardiovascular phenotype. Last evaluated: 2024-09-08. Review status: criteria provided, single submitter. Criteria: Ambry Variant Classification Scheme 2023. Collection method: clinical testing. Allele origin: germline.
Comment: The p.A409D variant (also known as c.1226C>A), located in coding exon 8 of the PCSK9 gene, results from a C to A substitution at nucleotide position 1226. The alanine at codon 409 is replaced by aspartic acid, an amino acid with dissimilar properties. This amino acid position is conserved. In addition, the in silico prediction for this alteration is inconclusive. Based on the available evidence, the clinical significance of this variant remains unclear.

NM_174936.4(PCSK9):c.1226C>A (p.Ala409Asp)

Gene: PCSK9 (proprotein convertase subtilisin/kexin type 9; plus strand). Cytogenetic location: 1p32.3.
Variant type: single nucleotide variant.
Coding change: c.1226C>A on transcript NM_174936.4 (MANE Select); coding-DNA position 1226, C replaced by A.
Protein change: p.Ala409Asp; replaces alanine 409 with aspartic acid.
Molecular consequence: missense variant. On other transcripts: non-coding transcript variant (8), intron variant (2).
Genome position (GRCh38, 1-based): chr1:55,058,081, C>A. VCF-style: chr1-55058081-C-A. GRCh37 (hg19) VCF-style: chr1-55523754-C-A.
Other names: c.1349C>A, p.Ala450Asp (NM_001407240.1); c.1226C>A, p.Ala409Asp (NM_001407241.1); c.1229C>A, p.Ala410Asp (NM_001407242.1); c.1169C>A, p.Ala390Asp (NM_001407243.1); c.1034C>A, p.Ala345Asp (NM_001407245.1); c.851C>A, p.Ala284Asp (NM_001407246.1); c.1181-418C>A (NM_001407244.1); c.1180+567C>A (NM_001407247.1); short protein forms A450D, A409D, A410D, A284D, A345D, A390D.
Identifiers: ClinVar variation 3415987 (VCV003415987.1).